The following is an entry in ClinVar:

ClinVar aggregate classification (germline): Uncertain significance. Review status: criteria provided, multiple submitters, no conflicts (2 of 4 stars). 2 submissions from 2 submitters: Uncertain significance (2). Last evaluated 2024-09-17.

Conditions:
Alpha thalassemia-X-linked intellectual disability syndrome (ATRX). Also called: ALPHA-THALASSEMIA/MENTAL RETARDATION SYNDROME, X-LINKED; ATR, NONDELETION TYPE; ATR-X syndrome; Alpha thalassemia mental retardation syndrome, nondeletion type, X-linked; XLMR hypotonic face syndrome; X-linked alpha-thalassemia-mental retardation syndrome. Identifiers: Orphanet 847, MedGen C1845055, MONDO:0010519, OMIM 301040.

Allele frequency attached by ClinVar (database versions not stated): TOPMed 0.00002.

Submissions (2):

GeneDx
Classification: Uncertain significance. Last evaluated: 2024-09-17. Review status: criteria provided, single submitter. Criteria: GeneDx Variant Classification Process June 2021. Collection method: clinical testing. Allele origin: germline. Affected: yes.
Comment: Not observed at significant frequency in large population cohorts (gnomAD); In silico analysis indicates that this missense variant does not alter protein structure/function; Has not been previously published as pathogenic or benign to our knowledge

Labcorp Genetics (formerly Invitae), Labcorp
Classification: Uncertain significance for Alpha thalassemia-X-linked intellectual disability syndrome. Last evaluated: 2024-04-25. Review status: criteria provided, single submitter. Criteria: Invitae Variant Classification Sherloc (09022015). Collection method: clinical testing. Allele origin: germline.
Comment: This sequence change replaces glutamine, which is neutral and polar, with lysine, which is basic and polar, at codon 883 of the ATRX protein (p.Gln883Lys). This variant is not present in population databases (gnomAD no frequency). This variant has not been reported in the literature in individuals affected with ATRX-related conditions. ClinVar contains an entry for this variant (Variation ID: 1063764). Advanced modeling of protein sequence and biophysical properties (such as structural, functional, and spatial information, amino acid conservation, physicochemical variation, residue mobility, and thermodynamic stability) performed at Invitae indicates that this missense variant is not expected to disrupt ATRX protein function with a negative predictive value of 95%. In summary, the available evidence is currently insufficient to determine the role of this variant in disease. Therefore, it has been classified as a Variant of Uncertain Significance.

NM_000489.6(ATRX):c.2647C>A (p.Gln883Lys)

Gene: ATRX (ATRX chromatin remodeler; minus strand). Cytogenetic location: Xq21.1.
Variant type: single nucleotide variant.
Coding change: c.2647C>A on transcript NM_000489.6 (MANE Select); coding-DNA position 2647, C replaced by A.
Protein change: p.Gln883Lys; replaces glutamine 883 with lysine.
Molecular consequence: missense variant.
Genome position (GRCh38, 1-based): chrX:77,682,609, G>T on the plus strand (C>A on the coding strand, the complement: ATRX is on the minus strand). VCF-style: chrX-77682609-G-T. GRCh37 (hg19) VCF-style: chrX-76938101-G-T.
Other names: c.2533C>A, p.Gln845Lys (NM_138270.5); short protein forms Q845K, Q883K.
Identifiers: ClinVar variation 1063764 (VCV001063764.10), dbSNP rs868926015, ClinGen allele CA413711181.